The following is an entry in ClinVar:

ClinVar aggregate classification (germline): Uncertain significance (1 of 4 stars; one submission).

Conditions:
Koolen-de Vries syndrome (KDVS). Identifiers: Orphanet 96169, MedGen C1864871, MONDO:0012496, OMIM 610443.

Submission:

Labcorp Genetics (formerly Invitae), Labcorp
Classification: Uncertain significance for Koolen-de Vries syndrome. Last evaluated: 2022-07-18. Review status: criteria provided, single submitter. Criteria: Invitae Variant Classification Sherloc (09022015). Collection method: clinical testing. Allele origin: germline.
Comment: This variant has not been reported in the literature in individuals affected with KANSL1-related conditions. This variant is not present in population databases (gnomAD no frequency). This sequence change replaces asparagine, which is neutral and polar, with lysine, which is basic and polar, at codon 963 of the KANSL1 protein (p.Asn963Lys). In summary, the available evidence is currently insufficient to determine the role of this variant in disease. Therefore, it has been classified as a Variant of Uncertain Significance. Algorithms developed to predict the effect of missense changes on protein structure and function are either unavailable or do not agree on the potential impact of this missense change (SIFT: "Deleterious"; PolyPhen-2: "Possibly Damaging"; Align-GVGD: "Class C0").

NM_015443.4(KANSL1):c.2889C>G (p.Asn963Lys)

Gene: KANSL1 (KAT8 regulatory NSL complex subunit 1). Cytogenetic location: 17q21.31.
Variant type: single nucleotide variant.
Coding change: c.2889C>G on transcript NM_015443.4 (MANE Select); coding-DNA position 2889, C replaced by G.
Protein change: p.Asn963Lys; replaces asparagine 963 with lysine.
Molecular consequence: missense variant.
Genome position (GRCh38, 1-based): chr17:46,032,248, G>C on the plus strand (C>G on the coding strand, the complement: KANSL1 is on the minus strand). VCF-style: chr17-46032248-G-C. GRCh37 (hg19) VCF-style: chr17-44109614-G-C.
Other names: c.2787C>G, p.Asn929Lys (NM_001405860.1, NM_001405859.1); c.2784C>G, p.Asn928Lys (NM_001405861.1); c.2700C>G, p.Asn900Lys (NM_001405875.1, NM_001405876.1, NM_001405877.1 and 1 more transcripts); c.2697C>G, p.Asn899Lys (NM_001405879.1, NM_001405880.1); c.1623C>G, p.Asn541Lys (NM_001405882.1); c.1620C>G, p.Asn540Lys (NM_001405883.1); c.2886C>G, p.Asn962Lys (NM_001193465.2, NM_001405856.1, NM_001405857.1 and 1 more transcripts); c.2889C>G, p.Asn963Lys (NM_001193466.2, NM_001379198.1, NM_001405854.1 and 1 more transcripts); and 2 more; short protein forms N540K, N541K, N899K, N963K, N478K, N900K, N928K, N929K.
Identifiers: ClinVar variation 2019889 (VCV002019889.4), dbSNP rs1322313910, ClinGen allele CA399987257.